The following is an entry in ClinVar:

NM_014808.4(FARP2):c.133C>T (p.His45Tyr)

Gene: FARP2 (FERM, ARH/RhoGEF and pleckstrin domain protein 2; plus strand). Cytogenetic location: 2q37.3.
Variant type: single nucleotide variant.
Coding change: c.133C>T on transcript NM_014808.4 (MANE Select); coding-DNA position 133, C replaced by T.
Protein change: p.His45Tyr; replaces histidine 45 with tyrosine.
Molecular consequence: missense variant.
Genome position (GRCh38, 1-based): chr2:241,373,240, C>T. VCF-style: chr2-241373240-C-T. GRCh37 (hg19) VCF-style: chr2-242312655-C-T.
Other names: c.133C>T, p.His45Tyr (NM_001282983.2, NM_001282984.2); short protein forms H45Y.
Identifiers: ClinVar variation 770881 (VCV000770881.29), dbSNP rs61739735, ClinGen allele CA2217631.

ClinVar aggregate classification (germline): Likely benign. Review status: criteria provided, multiple submitters, no conflicts (2 of 4 stars). 3 submissions from 3 submitters: Likely benign (3). Last evaluated 2023-02-01.

Allele frequency attached by ClinVar (database versions not stated): 1000 Genomes Project 30x 0.00109; 1000 Genomes Project 0.00120; ExAC 0.00347; gnomAD exomes 0.00361; gnomAD 0.00387 and 0.00402; TOPMed 0.00393; ESP Exome Variant Server 0.00423.
gnomAD v4.1: 9,601 of 1,553,528 alleles (0.62%); highest among the groups gnomAD compares: Non-Finnish European, 0.77%; 40 homozygotes.

Submissions (3):

CeGaT Center for Human Genetics Tuebingen
Classification: Likely benign. Last evaluated: 2023-02-01. Review status: criteria provided, single submitter. Criteria: CeGaT Center For Human Genetics Tuebingen Variant Classification Criteria Version 2. Collection method: clinical testing. Allele origin: germline. Affected: yes. Observed: 2 variant alleles.
Comment: FARP2: BP4, BS2

Labcorp Genetics (formerly Invitae), Labcorp
Classification: Likely benign. Last evaluated: 2019-12-31. Review status: criteria provided, single submitter. Criteria: Invitae Variant Classification Sherloc (09022015). Collection method: clinical testing. Allele origin: germline.

Breakthrough Genomics
Classification: Likely benign. Review status: criteria provided, single submitter. Criteria: ACMG Guidelines, 2015. Collection method: not provided. Allele origin: germline. Inheritance: Unknown mechanism. Affected: yes.